The following is an entry in ClinVar:

ClinVar aggregate classification (germline): Pathogenic (1 of 4 stars; one submission).

Conditions:
Allan-Herndon-Dudley syndrome (AHDS). Also called: ALLAN-HERNDON SYNDROME; MENTAL RETARDATION AND MUSCULAR ATROPHY; T3 RESISTANCE; TRIIODOTHYRONINE RESISTANCE; Passos-Bueno syndrome. Identifiers: Orphanet 59, MedGen C0795889, MONDO:0010354, OMIM 300523.

Submission:

Department of Neurology, Shanghai Children’s Hospital, Shanghai Jiao Tong University School
Classification: Pathogenic for Allan-Herndon-Dudley syndrome. Last evaluated: 2019-01-18. Review status: criteria provided, single submitter. Criteria: ACMG Guidelines, 2015. Collection method: clinical testing. Allele origin: inherited. Affected: yes. Observed: 1 hemizygote. Segregation with disease observed.
Comment: Predicted to cause premature protein truncation (p.G91L*28). Classified as pathogenic according to ACMG/AMP guidelines.

NM_006517.5(SLC16A2):c.270_271del (p.Gly91fs)

Gene: SLC16A2 (solute carrier family 16 member 2; plus strand). Cytogenetic location: Xq13.2.
Variant type: Microsatellite.
Coding change: c.270_271del on transcript NM_006517.5 (MANE Select); coding-DNA positions 270 to 271, 2 bases deleted (CG; older notation c.270_271delCG).
Protein change: p.Gly91fs; shifts the reading frame from glycine 91.
Molecular consequence: frameshift variant.
Genome position (GRCh38, 1-based): chrX:74,421,907-74,421,908, CG deleted; deleting any 2 consecutive bases within chrX:74,421,901-74,421,908 gives the same sequence; the c. name uses the placement nearest the transcript's 3' end. VCF-style (leftmost placement, unchanged base first): chrX-74421900-CCG-C. GRCh37 (hg19) VCF-style: chrX-73641735-CCG-C.
Other names: short protein forms G91fs.
Identifiers: ClinVar variation 4082238 (VCV004082238.1).
Genomic context (GRCh38, chrX:74,421,900, plus strand): 5'-AGTTCGAGTCCGAGCGGGTGCACGAACCCGAGCCCACGCCTACGGTAGAGACCCGCGGCA[CCG>C]CGCGCGGCTTCCAGCCTCCCGAAGGTGGCTTCGGCTGGGTGGTGGTGTTCGCTGCCACCT-3'